The following is an entry in ClinVar:

ClinVar aggregate classification (germline): Likely benign (1 of 4 stars; one submission).

Submission:

GeneDx
Classification: Likely benign. Last evaluated: 2020-10-23. Review status: criteria provided, single submitter. Criteria: GeneDx Variant Classification Process June 2021. Collection method: clinical testing. Allele origin: germline. Affected: yes.
Comment: See Variant Classification Assertion Criteria.

NM_002204.4(ITGA3):c.2820+89GT[22]

Gene: ITGA3 (integrin subunit alpha 3; plus strand). Cytogenetic location: 17q21.33.
Variant type: Microsatellite.
Coding change: c.2820+89GT[22] on transcript NM_002204.4 (MANE Select); 22 copies in a row of the 2-base unit GT starting at c.2820+89.
Molecular consequence: intron variant.
Genome position: GRCh38 VCF-style: chr17-50080463-G-GGT. GRCh37 (hg19) VCF-style: chr17-48157827-G-GGT.
Identifiers: ClinVar variation 1698081 (VCV001698081.2), dbSNP rs113441627, ClinGen allele CA291525931.